The following is an entry in ClinVar:

NM_022041.4(GAN):c.236C>T (p.Ser79Leu)

Gene: GAN (gigaxonin; plus strand). Cytogenetic location: 16q23.2.
Variant type: single nucleotide variant.
Coding change: c.236C>T on transcript NM_022041.4 (MANE Select); coding-DNA position 236, C replaced by T.
Protein change: p.Ser79Leu; replaces serine 79 with leucine.
Molecular consequence: missense variant. On other transcripts: intron variant (1).
Genome position (GRCh38, 1-based): chr16:81,351,651, C>T. VCF-style: chr16-81351651-C-T. GRCh37 (hg19) VCF-style: chr16-81385256-C-T.
Other names: c.-357-2754C>T (NM_001377486.1); short protein forms S79L.
Identifiers: ClinVar variation 637534 (VCV000637534.8), dbSNP rs1310137430, ClinGen allele CA396865802.

ClinVar aggregate classification (germline): Uncertain significance. Review status: criteria provided, multiple submitters, no conflicts (2 of 4 stars). 6 submissions from 6 submitters: Uncertain significance (4). 2 of the submissions do not count toward it. Last evaluated 2025-05-28.

Conditions:
Giant axonal neuropathy 1 (GAN1). Also called: GIANT AXONAL NEUROPATHY 1, AUTOSOMAL RECESSIVE; GAN-Related Neurodegeneration. Identifiers: Orphanet 643, MedGen C1850386, MONDO:0009749, OMIM 256850.

Allele frequency attached by ClinVar (database versions not stated): gnomAD exomes below 0.00001 and 0.00001; gnomAD 0.00001; TOPMed 0.00002.
gnomAD v4.1: 8 of 1,562,874 alleles (0.00051%); highest among the groups gnomAD compares: African/African-American, 0.0014%; no homozygotes.

Submissions (6):

Labcorp Genetics (formerly Invitae), Labcorp
Classification: Uncertain significance for Giant axonal neuropathy 1. Last evaluated: 2025-05-28. Review status: criteria provided, single submitter. Criteria: Invitae Variant Classification Sherloc (09022015). Collection method: clinical testing. Allele origin: germline.
Comment: This sequence change replaces serine, which is neutral and polar, with leucine, which is neutral and non-polar, at codon 79 of the GAN protein (p.Ser79Leu). This variant is present in population databases (no rsID available, gnomAD 0.003%). This missense change has been observed in individual(s) with giant axonal neuropathy (PMID: 11062483, 32158379, 37273706). ClinVar contains an entry for this variant (Variation ID: 637534). Invitae Evidence Modeling of protein sequence and biophysical properties (such as structural, functional, and spatial information, amino acid conservation, physicochemical variation, residue mobility, and thermodynamic stability) indicates that this missense variant is not expected to disrupt GAN protein function with a negative predictive value of 80%. In summary, the available evidence is currently insufficient to determine the role of this variant in disease. Therefore, it has been classified as a Variant of Uncertain Significance.

Department of Pathology and Laboratory Medicine, Sinai Health System
Classification: Uncertain significance for Giant axonal neuropathy 1. Last evaluated: 2022-10-31. Review status: criteria provided, single submitter. Criteria: ACMG Guidelines, 2015. Collection method: research. Allele origin: germline.

Blueprint Genetics
Classification: Uncertain significance. Last evaluated: 2021-07-21. Review status: criteria provided, single submitter. Criteria: ACMG Guidelines, 2015. Collection method: clinical testing. Allele origin: germline.

GeneDx
Classification: Uncertain significance. Last evaluated: 2020-06-02. Review status: criteria provided, single submitter. Criteria: GeneDx Variant Classification Process June 2021. Collection method: clinical testing. Allele origin: germline. Affected: yes.
Comment: Not observed at a significant frequency in large population cohorts (Lek et al., 2016); Missense variants in this gene are often considered pathogenic (Stenson et al., 2014); In silico analysis supports that this missense variant has a deleterious effect on protein structure/function; Observed as a single heterozygous variant in a patient with clinical features of giant axonal neuropathy in published literature; functional studies in fibroblasts from this patient suggest that S79L is associated with vimentin aggregation, although additional studies are needed to validate the functional effect of this variant (Bomont et al., 2000; Bomont et al., 2003); This variant is associated with the following publications: (PMID: 11062483, 12668605, 32158379)

Inherited Neuropathy Consortium Ii, University Of Miami
Classification: Uncertain significance for Giant axonal neuropathy 1. Last evaluated: 2019-05-30. Review status: no assertion criteria provided. Collection method: literature only. Allele origin: germline. Affected: yes. Not counted in ClinVar's aggregate classification.

Inherited Neuropathy Consortium
Classification: Uncertain significance for Giant axonal neuropathy. Review status: no assertion criteria provided. Collection method: literature only. Allele origin: germline. Affected: yes. Not counted in ClinVar's aggregate classification.

Literature cited by the submitters: PubMed 11062483 (cited by 3 submitters); PubMed 32158379 (cited by Labcorp Genetics (formerly Invitae), Labcorp); PubMed 37273706 (cited by Labcorp Genetics (formerly Invitae), Labcorp).